The following is an entry in ClinVar:

NM_006505.5(PVR):c.947A>G (p.Asn316Ser)

Gene: PVR (PVR cell adhesion molecule; plus strand). Cytogenetic location: 19q13.31.
Variant type: single nucleotide variant.
Coding change: c.947A>G on transcript NM_006505.5 (MANE Select); coding-DNA position 947, A replaced by G.
Protein change: p.Asn316Ser; replaces asparagine 316 with serine.
Molecular consequence: missense variant.
Genome position (GRCh38, 1-based): chr19:44,657,866, A>G. VCF-style: chr19-44657866-A-G. GRCh37 (hg19) VCF-style: chr19-45161134-A-G.
Other names: c.947A>G, p.Asn316Ser (NM_001135768.3, NM_001135769.3, NM_001135770.4); short protein forms N316S.
Identifiers: ClinVar variation 3047102 (VCV003047102.2), dbSNP rs138415573, ClinGen allele CA9502396.

ClinVar aggregate classification (germline): Likely benign (0 of 4 stars; one submission).

Conditions:
PVR-related disorder. Also called: PVR-related condition.

Allele frequency attached by ClinVar (database versions not stated): gnomAD exomes 0.00013; ExAC 0.00039; gnomAD 0.00137; TOPMed 0.00152; ESP Exome Variant Server 0.00154; 1000 Genomes Project 30x 0.00156; 1000 Genomes Project 0.00160.
gnomAD v4.1: 414 of 1,613,958 alleles (0.026%); highest among the groups gnomAD compares: African/African-American, 0.46%; no homozygotes.

Submission:

PreventionGenetics, part of Exact Sciences
Classification: Likely benign for PVR-related condition. Last evaluated: 2022-07-20. Review status: no assertion criteria provided. Collection method: clinical testing. Allele origin: germline.
Comment: This variant is classified as likely benign based on ACMG/AMP sequence variant interpretation guidelines (Richards et al. 2015 PMID: 25741868, with internal and published modifications).